The following is an entry in ClinVar:

NM_017739.4(POMGNT1):c.1286G>A (p.Gly429Glu)

Genes: POMGNT1 (protein O-linked mannose N-acetylglucosaminyltransferase 1 (beta 1,2-); minus strand), TSPAN1 (tetraspanin 1; plus strand). Cytogenetic location: 1p34.1.
Variant type: single nucleotide variant.
Coding change: c.1286G>A on transcript NM_017739.4 (MANE Select); coding-DNA position 1286, G replaced by A.
Protein change: p.Gly429Glu; replaces glycine 429 with glutamic acid.
Molecular consequence: missense variant.
Genome position (GRCh38, 1-based): chr1:46,192,435, C>T on the plus strand (G>A on the coding strand, the complement: POMGNT1 is on the minus strand). VCF-style: chr1-46192435-C-T. GRCh37 (hg19) VCF-style: chr1-46658107-C-T.
Other names: NM_017739.4(POMGNT1):c.1286G>A; p.Gly429Glu; c.1286G>A, p.Gly429Glu (NM_001243766.2, NM_001410783.1); c.1220G>A, p.Gly407Glu (NM_001290129.3); c.857G>A, p.Gly286Glu (NM_001290130.2); short protein forms G407E, G286E, G429E.
Identifiers: ClinVar variation 1969664 (VCV001969664.9), dbSNP rs751274265, ClinGen allele CA833408.

ClinVar aggregate classification (germline): Conflicting classifications of pathogenicity. Review status: criteria provided, conflicting classifications (1 of 4 stars). 5 submissions from 5 submitters: Pathogenic (1); Uncertain significance (4). Last evaluated 2025-04-30.

Conditions:
Autosomal recessive limb-girdle muscular dystrophy type 2O. Also called: Limb-Girdle Muscular Dystrophy Type 3C; MUSCULAR DYSTROPHY-DYSTROGLYCANOPATHY (LIMB-GIRDLE), TYPE C, 3; MUSCULAR DYSTROPHY-DYSTROGLYCANOPATHY, LIMB-GIRDLE, POMGNT1-RELATED. Identifiers: Orphanet 206564, MedGen C3150417, MONDO:0013161, OMIM 613157.
Muscular dystrophy-dystroglycanopathy (congenital with impaired intellectual development), type B, 3. Also called: MUSCULAR DYSTROPHY, CONGENITAL, POMGNT1-RELATED; Muscular dystrophy-dystroglycanopathy (congenital with intellectual disability), type B3. Identifiers: MedGen C3150412, MONDO:0013155, OMIM 613151.
POMGNT1-related disorder. Also called: POMGNT1-related condition; POMGNT1-related disorders. Identifiers: MedGen CN239299.
Muscular dystrophy-dystroglycanopathy. Also called: Congenital muscular dystrophy due to dystroglycanopathy. Identifiers: Orphanet 370953, MedGen C5679911, MONDO:0018276.

Allele frequency attached by ClinVar (database versions not stated): ExAC 0.00002; gnomAD exomes 0.00001; gnomAD 0.00001; TOPMed 0.00002.
gnomAD v4.1: 22 of 1,613,996 alleles (0.0014%); highest among the groups gnomAD compares: Non-Finnish European, 0.0016%; no homozygotes.

Submissions (5):

Broad Center for Mendelian Genomics, Broad Institute of MIT and Harvard
Classification: Uncertain significance for Muscular dystrophy-dystroglycanopathy. Last evaluated: 2025-04-30. Review status: criteria provided, single submitter. Criteria: ACMG Guidelines, 2015. Collection method: curation. Allele origin: germline. Inheritance: Autosomal recessive inheritance.
Comment: The p.Gly429Glu variant in POMGNT1 has not been previously reported in the literature in individuals with muscular dystrophy-dystroglycanopathy, but has been identified in 0.002% (19/1180040) of European (non-Finnish) chromosomes by the Genome Aggregation Database (gnomAD; dbSNP ID: rs751274265). Although this variant has been seen in the general population in a heterozygous state, its frequency is low enough to be consistent with a recessive carrier frequency. This variant has also been reported in ClinVar (VCV001969664.6) as likely pathogenic by PreventionGenetics, and as a variant of uncertain significance by Women's Health and Genetics/Laboratory Corporation of America and Labcorp Genetics (formerly Invitae). Computational prediction tools and conservation analyses suggest that this variant may impact the protein, though this information is not predictive enough to determine pathogenicity. In summary, the clinical significance of the p.Gly429Glu variant is uncertain. ACMG/AMP Criteria applied: PM2_Supporting, PP3_moderate (Richards 2015).

PreventionGenetics, part of Exact Sciences
Classification: Pathogenic for POMGNT1-related condition. Last evaluated: 2025-02-11. Review status: criteria provided, single submitter. Criteria: ACMG Guidelines, 2015. Collection method: clinical testing. Allele origin: germline.
Comment: The POMGNT1 c.1286G>A variant is predicted to result in the amino acid substitution p.Gly429Glu. To our knowledge, this variant has not been reported in the literature. This variant has been observed in the compound heterozygous state with another pathogenic variant in four unrelated individuals affected with POMGNT1-related disorders and was noted to segregate with the disorder in one family (Internal Data, PreventionGenetics). This variant is reported in 0.0040% of alleles in individuals of African descent in gnomAD. This variant is located within the N-lobe region which is part of the catalytic domain (Akasaka-Manya et al. 2004. PubMed ID: 15207699; Kuwabara et al. 2016. PubMed ID: 27493216). Another missense variant at the same codon (p.Gly429Val) has been reported as likely pathogenic in ClinVar for muscular dystrophy-dystroglycanopathy (congenital with brain and eye anomalies). In summary, we interpret this variant as pathogenic.

Women's Health and Genetics/Laboratory Corporation of America, LabCorp
Classification: Uncertain significance. Last evaluated: 2024-08-12. Review status: criteria provided, single submitter. Criteria: LabCorp Variant Classification Summary - May 2015. Collection method: clinical testing. Allele origin: germline.
Comment: Variant summary: POMGNT1 c.1286G>A (p.Gly429Glu) results in a non-conservative amino acid change in the encoded protein sequence. Five of five in-silico tools predict a damaging effect of the variant on protein function. Consensus agreement among computation tools predict no significant impact on normal splicing. However, these predictions have yet to be confirmed by functional studies. The variant allele was found at a frequency of 8e-06 in 251224 control chromosomes. The available data on variant occurrences in the general population are insufficient to allow any conclusion about variant significance. To our knowledge, no occurrence of c.1286G>A in individuals affected with Limb-Girdle Muscular Dystrophy, Autosomal Recessive and no experimental evidence demonstrating its impact on protein function have been reported. ClinVar contains an entry for this variant (Variation ID: 1969664). Based on the evidence outlined above, the variant was classified as uncertain significance.

Labcorp Genetics (formerly Invitae), Labcorp
Classification: Uncertain significance for Autosomal recessive limb-girdle muscular dystrophy type 2O; Muscular dystrophy-dystroglycanopathy (congenital with impaired intellectual development), type B, 3. Last evaluated: 2022-08-03. Review status: criteria provided, single submitter. Criteria: Invitae Variant Classification Sherloc (09022015). Collection method: clinical testing. Allele origin: germline.
Comment: This sequence change replaces glycine, which is neutral and non-polar, with glutamic acid, which is acidic and polar, at codon 429 of the POMGNT1 protein (p.Gly429Glu). This variant is present in population databases (rs751274265, gnomAD 0.004%). This variant has not been reported in the literature in individuals affected with POMGNT1-related conditions. Algorithms developed to predict the effect of missense changes on protein structure and function (SIFT, PolyPhen-2, Align-GVGD) all suggest that this variant is likely to be disruptive. In summary, the available evidence is currently insufficient to determine the role of this variant in disease. Therefore, it has been classified as a Variant of Uncertain Significance.

Blueprint Genetics
Classification: Uncertain significance. Last evaluated: 2022-08-02. Review status: criteria provided, single submitter. Criteria: ACMG Guidelines, 2015. Collection method: clinical testing. Allele origin: germline.